The following is an entry in ClinVar:

NM_000256.3(MYBPC3):c.1506del (p.Phe503fs)

Gene: MYBPC3 (myosin binding protein C3; minus strand). Cytogenetic location: 11p11.2.
Variant type: Deletion.
Coding change: c.1506del on transcript NM_000256.3 (MANE Select); coding-DNA position 1506, one base deleted (G; older notation c.1506delG).
Protein change: p.Phe503fs; shifts the reading frame from phenylalanine 503.
Molecular consequence: frameshift variant.
Genome position (GRCh38, 1-based): chr11:47,342,696, C deleted on the plus strand (G on the coding strand, the reverse complement: MYBPC3 is on the minus strand); the first of 2 consecutive C bases (chr11:47,342,696-47,342,697); deleting either gives the same sequence. VCF-style (leftmost placement, unchanged base first): chr11-47342695-AC-A. GRCh37 (hg19) VCF-style: chr11-47364246-AC-A.
Other names: short protein forms F503fs.
Identifiers: ClinVar variation 3721976 (VCV003721976.2).

ClinVar aggregate classification (germline): Pathogenic (1 of 4 stars; one submission).

Conditions:
Hypertrophic cardiomyopathy. Also called: HYPERTROPHIC MYOCARDIOPATHY. Identifiers: Orphanet 217569, MedGen C0007194, MeSH D002312, MONDO:0005045, HP:0001639.

Submission:

Labcorp Genetics (formerly Invitae), Labcorp
Classification: Pathogenic for Hypertrophic cardiomyopathy. Last evaluated: 2024-10-01. Review status: criteria provided, single submitter. Criteria: Invitae Variant Classification Sherloc (09022015). Collection method: clinical testing. Allele origin: germline.
Comment: This sequence change creates a premature translational stop signal (p.Phe503Serfs*10) in the MYBPC3 gene. It is expected to result in an absent or disrupted protein product. Loss-of-function variants in MYBPC3 are known to be pathogenic (PMID: 19574547). This variant is not present in population databases (gnomAD no frequency). This variant has not been reported in the literature in individuals affected with MYBPC3-related conditions. For these reasons, this variant has been classified as Pathogenic.

Literature cited by the submitters: PubMed 19574547.